The following is an entry in ClinVar:

ClinVar aggregate classification (germline): Uncertain significance (1 of 4 stars; one submission).

gnomAD v4.1: 2 of 1,611,020 alleles (0.00012%); highest among the groups gnomAD compares: Non-Finnish European, 0.00017%; no homozygotes.

Submission:

GeneDx
Classification: Uncertain significance. Last evaluated: 2023-03-08. Review status: criteria provided, single submitter. Criteria: GeneDx Variant Classification Process June 2021. Collection method: clinical testing. Allele origin: germline. Affected: yes.
Comment: Not observed at significant frequency in large population cohorts (gnomAD); In silico analysis supports that this missense variant does not alter protein structure/function; Has not been previously published as pathogenic or benign to our knowledge.

NM_001080508.3(TBX18):c.350C>A (p.Ser117Tyr)

Gene: TBX18 (T-box transcription factor 18; minus strand). Cytogenetic location: 6q14.3.
Variant type: single nucleotide variant.
Coding change: c.350C>A on transcript NM_001080508.3 (MANE Select); coding-DNA position 350, C replaced by A.
Protein change: p.Ser117Tyr; replaces serine 117 with tyrosine.
Molecular consequence: missense variant.
Genome position (GRCh38, 1-based): chr6:84,762,691, G>T on the plus strand (C>A on the coding strand, the complement: TBX18 is on the minus strand). VCF-style: chr6-84762691-G-T. GRCh37 (hg19) VCF-style: chr6-85472409-G-T.
Other names: short protein forms S117Y.
Identifiers: ClinVar variation 2579547 (VCV002579547.1), dbSNP rs2481867996, ClinGen allele CA364892129.